The following is an entry in ClinVar:

ClinVar aggregate classification (germline): Benign/Likely benign. Review status: criteria provided, multiple submitters, no conflicts (2 of 4 stars). 4 submissions from 4 submitters: Benign (1); Likely benign (2). 1 of the submissions does not count toward it. Last evaluated 2026-05-01.

Conditions:
ADSS1-related disorder. Also called: ADSS1-related condition.

Allele frequency attached by ClinVar (database versions not stated): 1000 Genomes Project 0.00040; 1000 Genomes Project 30x 0.00047.
gnomAD v4.1: 1,057 of 1,613,884 alleles (0.065%); highest among the groups gnomAD compares: Middle Eastern, 0.099%; 5 homozygotes.

Submissions (4):

CeGaT Center for Human Genetics Tuebingen
Classification: Likely benign. Last evaluated: 2026-05-01. Review status: criteria provided, single submitter. Criteria: CeGaT Center For Human Genetics Tuebingen Variant Classification Criteria Version 2. Collection method: clinical testing. Allele origin: germline. Affected: yes. Observed: 1 variant allele.
Comment: ADSS1: BP4, BS1

Labcorp Genetics (formerly Invitae), Labcorp
Classification: Benign. Last evaluated: 2026-01-25. Review status: criteria provided, single submitter. Criteria: Invitae Variant Classification Sherloc (09022015). Collection method: clinical testing. Allele origin: germline.

Mayo Clinic Laboratories, Mayo Clinic
Classification: Likely benign. Last evaluated: 2025-02-19. Review status: criteria provided, single submitter. Criteria: ACMG Guidelines, 2015. Collection method: clinical testing. Allele origin: germline. Observed: 2 variant alleles.
Comment: BS1, BP4, BP7

PreventionGenetics, part of Exact Sciences
Classification: Likely benign for ADSS1-related condition. Last evaluated: 2022-05-10. Review status: no assertion criteria provided. Collection method: clinical testing. Allele origin: germline. Not counted in ClinVar's aggregate classification.
Comment: This variant is classified as likely benign based on ACMG/AMP sequence variant interpretation guidelines (Richards et al. 2015 PMID: 25741868, with internal and published modifications).

NM_152328.5(ADSS1):c.585-5T>C

Gene: ADSS1 (adenylosuccinate synthase 1; plus strand). Cytogenetic location: 14q32.33.
Variant type: single nucleotide variant.
Coding change: c.585-5T>C on transcript NM_152328.5 (MANE Select); 5 bases into the intron before coding-DNA position 585, T replaced by C.
Molecular consequence: intron variant.
Genome position (GRCh38, 1-based): chr14:104,740,834, T>C. VCF-style: chr14-104740834-T-C. GRCh37 (hg19) VCF-style: chr14-105207171-T-C.
Other names: p.?; c.714-5T>C (NM_199165.2); c.-31-5T>C (NM_001320424.1).
Identifiers: ClinVar variation 1681943 (VCV001681943.13), dbSNP rs200895321, ClinGen allele CA7373773.